The following is an entry in ClinVar:

ClinVar aggregate classification (germline): Uncertain significance (1 of 4 stars; one submission).

Submission:

Labcorp Genetics (formerly Invitae), Labcorp
Classification: Uncertain significance. Last evaluated: 2022-07-13. Review status: criteria provided, single submitter. Criteria: Invitae Variant Classification Sherloc (09022015). Collection method: clinical testing. Allele origin: germline.
Comment: This sequence change replaces lysine, which is basic and polar, with arginine, which is basic and polar, at codon 405 of the CTCF protein (p.Lys405Arg). This variant is not present in population databases (gnomAD no frequency). This variant has not been reported in the literature in individuals affected with CTCF-related conditions. ClinVar contains an entry for this variant (Variation ID: 1518759). Algorithms developed to predict the effect of missense changes on protein structure and function (SIFT, PolyPhen-2, Align-GVGD) all suggest that this variant is likely to be disruptive. In summary, the available evidence is currently insufficient to determine the role of this variant in disease. Therefore, it has been classified as a Variant of Uncertain Significance.

NM_006565.4(CTCF):c.1214A>G (p.Lys405Arg)

Gene: CTCF (CCCTC-binding factor; plus strand). Cytogenetic location: 16q22.1.
Variant type: single nucleotide variant.
Coding change: c.1214A>G on transcript NM_006565.4 (MANE Select); coding-DNA position 1214, A replaced by G.
Protein change: p.Lys405Arg; replaces lysine 405 with arginine.
Molecular consequence: missense variant.
Genome position (GRCh38, 1-based): chr16:67,621,448, A>G. VCF-style: chr16-67621448-A-G. GRCh37 (hg19) VCF-style: chr16-67655351-A-G.
Other names: c.230A>G, p.Lys77Arg (NM_001191022.2); c.1214A>G, p.Lys405Arg (NM_001363916.2); short protein forms K405R, K77R.
Identifiers: ClinVar variation 1518759 (VCV001518759.5), dbSNP rs2142849386, ClinGen allele CA396315730.
Genomic context (GRCh38, chr16:67,621,448, plus strand): 5'-AATTACAGTATTTATTCATTTCATTTATGTGTTCATTCTGTATTTTCTTTAAAGGGGAAA[A>G]GCCTTATGAATGTTATATTTGTCATGCTCGGTTTACCCAAAGTGGTACCATGAAGATGCA-3'
Protein context (NP_006556.1, residues 395-415): KRHMRTHSGE[Lys405Arg]PYECYICHAR